The following is an entry in ClinVar:

ClinVar aggregate classification (germline): Uncertain significance (1 of 4 stars; one submission).

Allele frequency attached by ClinVar (database versions not stated): gnomAD 0.00001; TOPMed 0.00001.

Submission:

GeneDx
Classification: Uncertain significance. Last evaluated: 2019-11-22. Review status: criteria provided, single submitter. Criteria: GeneDx Variant Classification Process June 2021. Collection method: clinical testing. Allele origin: germline. Affected: yes.
Comment: Has not been previously published as pathogenic or benign to our knowledge; Not observed in large population cohorts (Lek et al., 2016); In silico analysis, which includes protein predictors and evolutionary conservation, supports a deleterious effect

NM_000258.3(MYL3):c.102G>T (p.Glu34Asp)

Gene: MYL3 (myosin light chain 3; minus strand). Cytogenetic location: 3p21.31.
Variant type: single nucleotide variant.
Coding change: c.102G>T on transcript NM_000258.3 (MANE Select); coding-DNA position 102, G replaced by T.
Protein change: p.Glu34Asp; replaces glutamic acid 34 with aspartic acid.
Molecular consequence: missense variant.
Genome position (GRCh38, 1-based): chr3:46,863,289, C>A on the plus strand (G>T on the coding strand, the complement: MYL3 is on the minus strand). VCF-style: chr3-46863289-C-A. GRCh37 (hg19) VCF-style: chr3-46904779-C-A.
Other names: short protein forms E34D.
Identifiers: ClinVar variation 1310648 (VCV001310648.2), dbSNP rs1702010711, ClinGen allele CA352499559.